The following is an entry in ClinVar:

NM_000535.7(PMS2):c.1515G>A (p.Gly505=)

Gene: PMS2 (PMS1 homolog 2, mismatch repair system component; minus strand). Cytogenetic location: 7p22.1.
Variant type: single nucleotide variant.
Coding change: c.1515G>A on transcript NM_000535.7 (MANE Select); coding-DNA position 1515, G replaced by A.
Protein change: p.Gly505=; no amino-acid change (glycine 505 retained).
Molecular consequence: synonymous variant. On other transcripts: non-coding transcript variant (1).
Genome position (GRCh38, 1-based): chr7:5,987,250, C>T on the plus strand (G>A on the coding strand, the complement: PMS2 is on the minus strand). VCF-style: chr7-5987250-C-T. GRCh37 (hg19) VCF-style: chr7-6026881-C-T.
Other names: c.1110G>A, p.Gly370= (NM_001322003.2, NM_001322004.2, NM_001322005.2 and 1 more transcripts); c.1359G>A, p.Gly453= (NM_001322006.2); c.1197G>A, p.Gly399= (NM_001322007.2, NM_001322008.2); c.954G>A, p.Gly318= (NM_001322010.2); c.582G>A, p.Gly194= (NM_001322011.2, NM_001322012.2); c.942G>A, p.Gly314= (NM_001322013.2); c.1515G>A, p.Gly505= (NM_001322014.2); c.1206G>A, p.Gly402= (NM_001322015.2).
Identifiers: ClinVar variation 496031 (VCV000496031.10), dbSNP rs753856135, ClinGen allele CA044128.

ClinVar aggregate classification (germline): Benign/Likely benign. Review status: criteria provided, multiple submitters, no conflicts (2 of 4 stars). 5 submissions from 5 submitters: Benign (1); Likely benign (4). Last evaluated 2026-06-13.

Conditions:
Hereditary nonpolyposis colorectal neoplasms. Identifiers: MedGen C0009405, MeSH D003123.
Hereditary cancer-predisposing syndrome. Also called: Tumor predisposition; Hereditary neoplastic syndrome; Neoplastic Syndromes, Hereditary; Hereditary Cancer Syndrome. Identifiers: Orphanet 140162, MedGen C0027672, MeSH D009386, MONDO:0015356.
Lynch syndrome 4 (LYNCH4). Also called: Hereditary non-polyposis colorectal cancer, type 4; Colorectal cancer, hereditary nonpolyposis, type 4. Identifiers: Orphanet 144, MedGen C1838333, MONDO:0013699, OMIM 614337. Disease mechanism: loss of function.

Allele frequency attached by ClinVar (database versions not stated): gnomAD exomes 0.00001; ExAC 0.00001.
gnomAD v4.1: 2 of 1,614,132 alleles (0.00012%); highest among the groups gnomAD compares: Admixed American, 0.0033%; no homozygotes.

Submissions (5):

Ambry Genetics
Classification: Likely benign for Hereditary cancer-predisposing syndrome. Last evaluated: 2026-06-13. Review status: criteria provided, single submitter. Criteria: Ambry Variant Classification Scheme 2023. Collection method: clinical testing. Allele origin: germline.

Myriad Genetics, Inc.
Classification: Benign for Lynch syndrome 4. Last evaluated: 2025-01-30. Review status: criteria provided, single submitter. Criteria: Myriad Autosomal Dominant, Autosomal Recessive and X-Linked Classification Criteria (2023). Collection method: clinical testing. Allele origin: unknown.
Comment: This variant is considered benign. This variant is a silent/synonymous amino acid change and it is not expected to impact splicing.

Labcorp Genetics (formerly Invitae), Labcorp
Classification: Likely benign for Hereditary nonpolyposis colorectal neoplasms. Last evaluated: 2024-11-04. Review status: criteria provided, single submitter. Criteria: Invitae Variant Classification Sherloc (09022015). Collection method: clinical testing. Allele origin: germline.

Color Diagnostics, LLC DBA Color Health
Classification: Likely benign for Hereditary cancer-predisposing syndrome. Last evaluated: 2021-09-01. Review status: criteria provided, single submitter. Criteria: ACMG Guidelines, 2015. Collection method: clinical testing. Allele origin: germline.

Women's Health and Genetics/Laboratory Corporation of America, LabCorp
Classification: Likely benign. Last evaluated: 2019-08-29. Review status: criteria provided, single submitter. Criteria: LabCorp Variant Classification Summary - May 2015. Collection method: clinical testing. Allele origin: germline.